The following is an entry in ClinVar:

NM_001174089.2(SLC4A11):c.1865_1868delinsTGCTCTGT (p.Tyr622fs)

Gene: SLC4A11 (solute carrier family 4 member 11; minus strand). Cytogenetic location: 20p13.
Variant type: Indel.
Coding change: c.1865_1868delinsTGCTCTGT on transcript NM_001174089.2 (MANE Select); coding-DNA positions 1865 to 1868, ACAA replaced by TGCTCTGT.
Protein change: p.Tyr622fs; shifts the reading frame from tyrosine 622.
Molecular consequence: frameshift variant. On other transcripts: non-coding transcript variant (1).
Genome position (GRCh38, 1-based): chr20:3,229,245-3,229,248, TTGT replaced by ACAGAGCA on the plus strand (ACAA replaced by TGCTCTGT on the coding strand, the reverse complement: SLC4A11 is on the minus strand). VCF-style: chr20-3229245-TTGT-ACAGAGCA. GRCh37 (hg19) VCF-style: chr20-3209891-TTGT-ACAGAGCA.
Other names: c.1994_1997delinsTGCTCTGT, p.Tyr665fs (NM_001174090.2); c.1751_1754delinsTGCTCTGT, p.Tyr584fs (NM_001363745.2); c.1808_1811delinsTGCTCTGT, p.Tyr603fs (NM_001400277.1, NM_001400278.1, NM_001400279.1); c.1880_1883delinsTGCTCTGT, p.Tyr627fs (NM_001400280.1); c.1913_1916delinsTGCTCTGT, p.Tyr638fs (NM_032034.4); short protein forms Y584fs, Y603fs, Y622fs, Y627fs, Y638fs, Y665fs.
Identifiers: ClinVar variation 4816304 (VCV004816304.1).

ClinVar aggregate classification (germline): Likely pathogenic (1 of 4 stars; one submission).

Conditions:
Corneal dystrophy-perceptive deafness syndrome (CDPD). Also called: CORNEAL DYSTROPHY AND SENSORINEURAL DEAFNESS; HARBOYAN SYNDROME. Identifiers: Orphanet 1490, MedGen C1857572, MONDO:0009015, OMIM 217400.

Submission:

Natera, Inc.
Classification: Likely pathogenic for Corneal dystrophy-perceptive deafness syndrome. Last evaluated: 2025-10-13. Review status: criteria provided, single submitter. Criteria: Natera Variant Classification Schema (03/2026). Collection method: clinical testing. Allele origin: germline.
Comment: The c.1913_1916delinsTGCTCTGT variant in SLC4A11 is a frameshift variant predicted to shift the reading frame beginning at codon 638 and leads to a stop codon 110 codons downstream. This variant is expected to result in nonsense mediated decay, truncation, or a dysfunctional protein product. This variant is rare in the general population with a frequency below the threshold expected for the associated phenotype(s). Given the available evidence, this variant is classified as Likely Pathogenic.